The following is an entry in ClinVar:

ClinVar aggregate classification (germline): Uncertain significance (1 of 4 stars; one submission).

Conditions:
Chédiak-Higashi syndrome (CHS). Also called: Chediak-Higashi Syndrome. Identifiers: Orphanet 167, MedGen C0007965, MONDO:0008963, OMIM 214500.

Submission:

Labcorp Genetics (formerly Invitae), Labcorp
Classification: Uncertain significance for Chédiak-Higashi syndrome. Last evaluated: 2022-03-12. Review status: criteria provided, single submitter. Criteria: Invitae Variant Classification Sherloc (09022015). Collection method: clinical testing. Allele origin: germline.
Comment: This sequence change replaces serine, which is neutral and polar, with asparagine, which is neutral and polar, at codon 1096 of the LYST protein (p.Ser1096Asn). This variant is not present in population databases (gnomAD no frequency). In summary, the available evidence is currently insufficient to determine the role of this variant in disease. Therefore, it has been classified as a Variant of Uncertain Significance. Algorithms developed to predict the effect of missense changes on protein structure and function output the following: SIFT: "Tolerated"; PolyPhen-2: "Benign"; Align-GVGD: "Class C0". The asparagine amino acid residue is found in multiple mammalian species, which suggests that this missense change does not adversely affect protein function. This variant has not been reported in the literature in individuals affected with LYST-related conditions.

NM_000081.4(LYST):c.3287G>A (p.Ser1096Asn)

Gene: LYST (lysosomal trafficking regulator; minus strand). Cytogenetic location: 1q42.3.
Variant type: single nucleotide variant.
Coding change: c.3287G>A on transcript NM_000081.4 (MANE Select); coding-DNA position 3287, G replaced by A.
Protein change: p.Ser1096Asn; replaces serine 1096 with asparagine.
Molecular consequence: missense variant.
Genome position (GRCh38, 1-based): chr1:235,805,849, C>T on the plus strand (G>A on the coding strand, the complement: LYST is on the minus strand). VCF-style: chr1-235805849-C-T. GRCh37 (hg19) VCF-style: chr1-235969149-C-T.
Other names: c.3287G>A, p.Ser1096Asn (NM_001301365.1); short protein forms S1096N.
Identifiers: ClinVar variation 2104703 (VCV002104703.4), dbSNP rs776644637, ClinGen allele CA344951948.